The following is an entry in ClinVar:

NM_004448.4(ERBB2):c.1495C>T (p.Arg499Trp)

Gene: ERBB2 (erb-b2 receptor tyrosine kinase 2; plus strand). Cytogenetic location: 17q12.
Variant type: single nucleotide variant.
Coding change: c.1495C>T on transcript NM_004448.4 (MANE Select); coding-DNA position 1495, C replaced by T.
Protein change: p.Arg499Trp; replaces arginine 499 with tryptophan.
Molecular consequence: missense variant. On other transcripts: non-coding transcript variant (1), intron variant (1).
Genome position (GRCh38, 1-based): chr17:39,715,921, C>T. VCF-style: chr17-39715921-C-T. GRCh37 (hg19) VCF-style: chr17-37872174-C-T.
Other names: c.1495C>T, p.Arg499Trp (NM_001382797.1, NM_001382798.1, NM_001382800.1 and 12 more transcripts); c.1315C>T, p.Arg439Trp (NM_001382799.1); c.1237C>T, p.Arg413Trp (NM_001382802.1); c.667C>T, p.Arg223Trp (NM_001382804.1); c.1405C>T, p.Arg469Trp (NM_001005862.3, NM_001289938.2, NM_001382782.1 and 1 more transcripts); c.1450C>T, p.Arg484Trp (NM_001289936.2); c.1612C>T, p.Arg538Trp (NM_001382784.1, NM_001382786.1); c.1570C>T, p.Arg524Trp (NM_001382787.1); and 3 more; short protein forms R484W, R499W, R469W, R223W, R413W, R439W, R496W, R506W.
Identifiers: ClinVar variation 853340 (VCV000853340.9), dbSNP rs199530208, ClinGen allele CA8533994.

ClinVar aggregate classification (germline): Uncertain significance (1 of 4 stars; one submission).

Allele frequency attached by ClinVar (database versions not stated): TOPMed 0.00003.
gnomAD v4.1: 24 of 1,610,580 alleles (0.0015%); highest among the groups gnomAD compares: Admixed American, 0.018%; no homozygotes.

Submission:

Labcorp Genetics (formerly Invitae), Labcorp
Classification: Uncertain significance. Last evaluated: 2024-02-28. Review status: criteria provided, single submitter. Criteria: Invitae Variant Classification Sherloc (09022015). Collection method: clinical testing. Allele origin: germline.
Comment: This sequence change replaces arginine, which is basic and polar, with tryptophan, which is neutral and slightly polar, at codon 499 of the ERBB2 protein (p.Arg499Trp). This variant is present in population databases (rs199530208, gnomAD 0.03%). This variant has not been reported in the literature in individuals affected with ERBB2-related conditions. ClinVar contains an entry for this variant (Variation ID: 853340). Advanced modeling of protein sequence and biophysical properties (such as structural, functional, and spatial information, amino acid conservation, physicochemical variation, residue mobility, and thermodynamic stability) performed at Invitae indicates that this missense variant is not expected to disrupt ERBB2 protein function with a negative predictive value of 80%. In summary, the available evidence is currently insufficient to determine the role of this variant in disease. Therefore, it has been classified as a Variant of Uncertain Significance.